The following is an entry in ClinVar:

NM_015662.3(IFT172):c.3793G>C (p.Glu1265Gln)

Genes: IFT172 (intraflagellar transport 172; minus strand), LOC126806173 (BRD4-independent group 4 enhancer GRCh37_chr2:27676057-27677256; plus strand). Cytogenetic location: 2p23.3.
Variant type: single nucleotide variant.
Coding change: c.3793G>C on transcript NM_015662.3 (MANE Select); coding-DNA position 3793, G replaced by C.
Protein change: p.Glu1265Gln; replaces glutamic acid 1265 with glutamine.
Molecular consequence: missense variant.
Genome position (GRCh38, 1-based): chr2:27,453,658, C>G on the plus strand (G>C on the coding strand, the complement: IFT172 is on the minus strand). VCF-style: chr2-27453658-C-G. GRCh37 (hg19) VCF-style: chr2-27676525-C-G.
Other names: c.3727G>C, p.Glu1243Gln (NM_001410739.1); short protein forms E1243Q, E1265Q.
Identifiers: ClinVar variation 1714390 (VCV001714390.6), dbSNP rs999731005, ClinGen allele CA346377923.

ClinVar aggregate classification (germline): Uncertain significance (1 of 4 stars; one submission).

Conditions:
Short-rib thoracic dysplasia 10 with or without polydactyly (SRTD10). Identifiers: Orphanet 474, MedGen C3810175, MONDO:0014284, OMIM 615630.
Retinitis pigmentosa 71 (RP71). Identifiers: Orphanet 791, MedGen C4225342, MONDO:0014618, OMIM 616394.

Submission:

Labcorp Genetics (formerly Invitae), Labcorp
Classification: Uncertain significance for Retinitis pigmentosa 71; Short-rib thoracic dysplasia 10 with or without polydactyly. Last evaluated: 2022-07-30. Review status: criteria provided, single submitter. Criteria: Invitae Variant Classification Sherloc (09022015). Collection method: clinical testing. Allele origin: germline.
Comment: This sequence change replaces glutamic acid, which is acidic and polar, with glutamine, which is neutral and polar, at codon 1265 of the IFT172 protein (p.Glu1265Gln). This variant is not present in population databases (gnomAD no frequency). This variant has not been reported in the literature in individuals affected with IFT172-related conditions. Algorithms developed to predict the effect of missense changes on protein structure and function (SIFT, PolyPhen-2, Align-GVGD) all suggest that this variant is likely to be tolerated. In summary, the available evidence is currently insufficient to determine the role of this variant in disease. Therefore, it has been classified as a Variant of Uncertain Significance.